The following is an entry in ClinVar:

ClinVar aggregate classification (germline): Uncertain significance (1 of 4 stars; one submission).

Submission:

Labcorp Genetics (formerly Invitae), Labcorp
Classification: Uncertain significance. Last evaluated: 2023-08-14. Review status: criteria provided, single submitter. Criteria: Invitae Variant Classification Sherloc (09022015). Collection method: clinical testing. Allele origin: germline.
Comment: This variant is not present in population databases (gnomAD no frequency). This variant has not been reported in the literature in individuals affected with SLC26A1-related conditions. An algorithm developed to predict the effect of missense changes on protein structure and function (PolyPhen-2) suggests that this variant is likely to be tolerated. In summary, the available evidence is currently insufficient to determine the role of this variant in disease. Therefore, it has been classified as a Variant of Uncertain Significance. This sequence change replaces valine, which is neutral and non-polar, with leucine, which is neutral and non-polar, at codon 245 of the SLC26A1 protein (p.Val245Leu).

NM_022042.4(SLC26A1):c.733G>C (p.Val245Leu)

Genes: IDUA (alpha-L-iduronidase; plus strand), SLC26A1 (solute carrier family 26 member 1; minus strand). Cytogenetic location: 4p16.3.
Variant type: single nucleotide variant.
Coding change: c.733G>C on transcript NM_022042.4 (MANE Select); coding-DNA position 733, G replaced by C.
Protein change: p.Val245Leu; replaces valine 245 with leucine.
Molecular consequence: missense variant. On other transcripts: intron variant (2).
Genome position (GRCh38, 1-based): chr4:990,206, C>G on the plus strand (G>C on the coding strand, the complement: SLC26A1 is on the minus strand). VCF-style: chr4-990206-C-G. GRCh37 (hg19) VCF-style: chr4-983994-C-G.
Other names: c.733G>C, p.Val245Leu (NM_213613.4); c.576+922G>C (NM_134425.4); c.299+2257C>G (NM_000203.5); short protein forms V245L.
Identifiers: ClinVar variation 2716615 (VCV002716615.3), dbSNP rs1165132891, ClinGen allele CA355955613.